The following is an entry in ClinVar:

ClinVar aggregate classification (germline): Uncertain significance (1 of 4 stars; one submission).

Conditions:
Cardiovascular phenotype. Identifiers: MedGen CN230736.

Allele frequency attached by ClinVar (database versions not stated): ExAC 0.00001; gnomAD 0.00001; gnomAD exomes 0.00001; TOPMed 0.00001.
gnomAD v4.1: 7 of 1,613,884 alleles (0.00043%); highest among the groups gnomAD compares: African/African-American, 0.0013%; no homozygotes.

Submission:

Ambry Genetics
Classification: Uncertain significance for Cardiovascular phenotype. Last evaluated: 2024-03-02. Review status: criteria provided, single submitter. Criteria: Ambry Variant Classification Scheme 2023. Collection method: clinical testing. Allele origin: germline.
Comment: The p.E278K variant (also known as c.832G>A), located in coding exon 4 of the SNTA1 gene, results from a G to A substitution at nucleotide position 832. The glutamic acid at codon 278 is replaced by lysine, an amino acid with similar properties. This amino acid position is conserved. In addition, this alteration is predicted to be tolerated by in silico analysis. Based on the available evidence, the clinical significance of this alteration remains unclear.

NM_003098.3(SNTA1):c.832G>A (p.Glu278Lys)

Gene: SNTA1 (syntrophin alpha 1; minus strand). Cytogenetic location: 20q11.21.
Variant type: single nucleotide variant.
Coding change: c.832G>A on transcript NM_003098.3 (MANE Select); coding-DNA position 832, G replaced by A.
Protein change: p.Glu278Lys; replaces glutamic acid 278 with lysine.
Molecular consequence: missense variant.
Genome position (GRCh38, 1-based): chr20:33,412,652, C>T on the plus strand (G>A on the coding strand, the complement: SNTA1 is on the minus strand). VCF-style: chr20-33412652-C-T. GRCh37 (hg19) VCF-style: chr20-32000458-C-T.
Other names: c.832G>A, p.Glu278Lys (NM_001424413.1, NM_001424414.1); short protein forms E278K.
Identifiers: ClinVar variation 3223123 (VCV003223123.1), dbSNP rs770192754, ClinGen allele CA9817129.